The following is an entry in ClinVar:

ClinVar aggregate classification (germline): Uncertain significance. Review status: criteria provided, multiple submitters, no conflicts (2 of 4 stars). 2 submissions from 2 submitters: Uncertain significance (2). Last evaluated 2024-01-19.

Conditions:
Fetal akinesia deformation sequence 1 (FADS1). Also called: Fetal akinesia sequence; Pena-Shokeir syndrome type I. Identifiers: Orphanet 994, MedGen C1276035, MONDO:0100101, OMIM 208150, HP:0001989.
Congenital myasthenic syndrome 10. Also called: Myasthenia, limb-girdle, familial. Identifiers: Orphanet 590, MedGen C1850792, MONDO:0009690, OMIM 254300.

Allele frequency attached by ClinVar (database versions not stated): gnomAD exomes 0.00008; gnomAD 0.00009 and 0.00010; TOPMed 0.00012; ExAC 0.00013; ESP Exome Variant Server 0.00016.
gnomAD v4.1: 134 of 1,598,804 alleles (0.0084%); highest among the groups gnomAD compares: Middle Eastern, 0.017%; no homozygotes.

Submissions (2):

Labcorp Genetics (formerly Invitae), Labcorp
Classification: Uncertain significance for Congenital myasthenic syndrome 10; Fetal akinesia deformation sequence 1. Last evaluated: 2024-01-19. Review status: criteria provided, single submitter. Criteria: Invitae Variant Classification Sherloc (09022015). Collection method: clinical testing. Allele origin: germline.
Comment: This sequence change replaces arginine, which is basic and polar, with tryptophan, which is neutral and slightly polar, at codon 452 of the DOK7 protein (p.Arg452Trp). This variant is present in population databases (rs375116985, gnomAD 0.02%). This variant has not been reported in the literature in individuals affected with DOK7-related conditions. ClinVar contains an entry for this variant (Variation ID: 642016). An algorithm developed to predict the effect of missense changes on protein structure and function (PolyPhen-2) suggests that this variant is likely to be disruptive. In summary, the available evidence is currently insufficient to determine the role of this variant in disease. Therefore, it has been classified as a Variant of Uncertain Significance.

GeneDx
Classification: Uncertain significance. Last evaluated: 2019-06-21. Review status: criteria provided, single submitter. Criteria: GeneDx Variant Classification Process June 2021. Collection method: clinical testing. Allele origin: germline. Affected: yes.
Comment: In silico analysis, which includes protein predictors and evolutionary conservation, supports a deleterious effect; Has not been previously published as pathogenic or benign to our knowledge

NM_173660.5(DOK7):c.1354C>T (p.Arg452Trp)

Gene: DOK7 (docking protein 7; plus strand). Cytogenetic location: 4p16.3.
Variant type: single nucleotide variant.
Coding change: c.1354C>T on transcript NM_173660.5 (MANE Select); coding-DNA position 1354, C replaced by T.
Protein change: p.Arg452Trp; replaces arginine 452 with tryptophan.
Molecular consequence: missense variant. On other transcripts: 3 prime UTR variant (1).
Genome position (GRCh38, 1-based): chr4:3,493,340, C>T. VCF-style: chr4-3493340-C-T. GRCh37 (hg19) VCF-style: chr4-3495067-C-T.
Other names: c.*575C>T (NM_001164673.2); c.424C>T, p.Arg142Trp (NM_001256896.2); c.1354C>T, p.Arg452Trp (NM_001301071.2); c.922C>T, p.Arg308Trp (NM_001363811.2); short protein forms R452W, R142W, R308W.
Identifiers: ClinVar variation 642016 (VCV000642016.12), dbSNP rs375116985, ClinGen allele CA2829484.